The following is an entry in ClinVar:

ClinVar aggregate classification (germline): Uncertain significance. Review status: criteria provided, multiple submitters, no conflicts (2 of 4 stars). 2 submissions from 2 submitters: Uncertain significance (2). Last evaluated 2025-05-22.

Conditions:
Inborn genetic diseases. Identifiers: MedGen C0950123, MeSH D030342.

Allele frequency attached by ClinVar (database versions not stated): TOPMed 0.00001; gnomAD exomes 0.00002; gnomAD 0.00001.
gnomAD v4.1: 21 of 1,188,657 alleles (0.0018%); highest among the groups gnomAD compares: Non-Finnish European, 0.0024%; no homozygotes.

Submissions (2):

GeneDx
Classification: Uncertain significance. Last evaluated: 2025-05-22. Review status: criteria provided, single submitter. Criteria: GeneDx Variant Classification Process June 2021. Collection method: clinical testing. Allele origin: germline. Affected: yes.
Comment: Not observed at significant frequency in large population cohorts (gnomAD); In silico analysis supports that this missense variant has a deleterious effect on protein structure/function; Has not been previously published as pathogenic or benign to our knowledge

Ambry Genetics
Classification: Uncertain significance for Inborn genetic diseases. Last evaluated: 2023-05-05. Review status: criteria provided, single submitter. Criteria: Ambry Variant Classification Scheme 2023. Collection method: clinical testing. Allele origin: germline.

NM_000292.3(PHKA2):c.2540A>G (p.His847Arg)

Gene: PHKA2 (phosphorylase kinase regulatory subunit alpha 2; minus strand). Cytogenetic location: Xp22.13.
Variant type: single nucleotide variant.
Coding change: c.2540A>G on transcript NM_000292.3 (MANE Select); coding-DNA position 2540, A replaced by G.
Protein change: p.His847Arg; replaces histidine 847 with arginine.
Molecular consequence: missense variant.
Genome position (GRCh38, 1-based): chrX:18,907,075, T>C on the plus strand (A>G on the coding strand, the complement: PHKA2 is on the minus strand). VCF-style: chrX-18907075-T-C. GRCh37 (hg19) VCF-style: chrX-18925193-T-C.
Other names: short protein forms H847R.
Identifiers: ClinVar variation 2543892 (VCV002543892.3), dbSNP rs2047833497, ClinGen allele CA412383132.